The following is an entry in ClinVar:

NM_001082971.2(DDC):c.571-2A>G

Gene: DDC (dopa decarboxylase; minus strand). Cytogenetic location: 7p12.1.
Variant type: single nucleotide variant.
Coding change: c.571-2A>G on transcript NM_001082971.2 (MANE Select); the canonical splice acceptor site of the intron before coding-DNA position 571, A replaced by G.
Molecular consequence: splice acceptor variant. On other transcripts: intron variant (2).
Genome position (GRCh38, 1-based): chr7:50,528,282, T>C on the plus strand (A>G on the coding strand, the complement: DDC is on the minus strand). VCF-style: chr7-50528282-T-C. GRCh37 (hg19) VCF-style: chr7-50595980-T-C.
Other names: c.337-2A>G (NM_001242888.2); c.457-2A>G (NM_001242886.2); c.435+9578A>G (NM_001242889.2); c.570+926A>G (NM_001242887.2); c.571-2A>G (NM_000790.4, NM_001242890.2).
Identifiers: ClinVar variation 932030 (VCV000932030.3), dbSNP rs2044098060, ClinGen allele CA367526282.

ClinVar aggregate classification (germline): Likely pathogenic (1 of 4 stars; one submission).

Conditions:
Deficiency of aromatic-L-amino-acid decarboxylase. Also called: Aromatic L-Amino Acid Decarboxylase Deficiency; AADC DEFICIENCY; DDC DEFICIENCY; DOPA DECARBOXYLASE DEFICIENCY; Aromatic amino acid decarboxylase deficiency. Identifiers: Orphanet 35708, MedGen C1291564, MONDO:0012084, OMIM 608643.

Submission:

Centre for Mendelian Genomics, University Medical Centre Ljubljana
Classification: Likely pathogenic for Deficiency of aromatic-L-amino-acid decarboxylase. Last evaluated: 2019-06-22. Review status: criteria provided, single submitter. Criteria: ACMG Guidelines, 2015. Collection method: clinical testing. Allele origin: unknown. Affected: yes.
Comment: This variant was classified as: Likely pathogenic. The following ACMG criteria were applied in classifying this variant: PVS1,PM2.